The following is an entry in ClinVar:

ClinVar aggregate classification (germline): Pathogenic (1 of 4 stars; one submission).

Conditions:
Nemaline myopathy 2 (NEM2). Also called: Nemaline myopathy 2, autosomal recessive. Identifiers: MedGen C1850569, MONDO:0009725, OMIM 256030.

Submission:

Labcorp Genetics (formerly Invitae), Labcorp
Classification: Pathogenic for Nemaline myopathy 2. Last evaluated: 2022-07-19. Review status: criteria provided, single submitter. Criteria: Invitae Variant Classification Sherloc (09022015). Collection method: clinical testing. Allele origin: germline.
Comment: For these reasons, this variant has been classified as Pathogenic. Algorithms developed to predict the effect of sequence changes on RNA splicing suggest that this variant may create or strengthen a splice site. ClinVar contains an entry for this variant (Variation ID: 840577). This variant has not been reported in the literature in individuals affected with NEB-related conditions. This variant is not present in population databases (gnomAD no frequency). This sequence change creates a premature translational stop signal (p.Leu2662*) in the NEB gene. It is expected to result in an absent or disrupted protein product. Loss-of-function variants in NEB are known to be pathogenic (PMID: 25205138).

Literature cited by the submitters: PubMed 25205138.

NM_001164508.2(NEB):c.7984del (p.Trp2661_Leu2662insTer)

Gene: NEB (nebulin; minus strand). Cytogenetic location: 2q23.3.
Variant type: Deletion.
Coding change: c.7984del on transcript NM_001164508.2 (MANE Select); coding-DNA position 7984, one base deleted (C; older notation c.7984delC).
Protein change: p.Trp2661_Leu2662insTer.
Molecular consequence: nonsense.
Genome position (GRCh38, 1-based): chr2:151,643,326, G deleted on the plus strand (C on the coding strand, the reverse complement: NEB is on the minus strand). VCF-style (leftmost placement, unchanged base first): chr2-151643325-AG-A. GRCh37 (hg19) VCF-style: chr2-152499839-AG-A.
Other names: c.7984del, p.Trp2661_Leu2662insTer (NM_001164507.2, NM_001271208.2, NM_004543.5).
Identifiers: ClinVar variation 840577 (VCV000840577.9), dbSNP rs2098910159, ClinGen allele CA916080282.